The following is an entry in ClinVar:

NM_001009944.3(PKD1):c.9155G>T (p.Gly3052Val)

Gene: PKD1 (polycystin 1, transient receptor potential channel interacting; minus strand). Cytogenetic location: 16p13.3.
Variant type: single nucleotide variant.
Coding change: c.9155G>T on transcript NM_001009944.3 (MANE Select); coding-DNA position 9155, G replaced by T.
Protein change: p.Gly3052Val; replaces glycine 3052 with valine.
Molecular consequence: missense variant.
Genome position (GRCh38, 1-based): chr16:2,102,427, C>A on the plus strand (G>T on the coding strand, the complement: PKD1 is on the minus strand). VCF-style: chr16-2102427-C-A. GRCh37 (hg19) VCF-style: chr16-2152428-C-A.
Other names: c.9155G>T, p.Gly3052Val (NM_000296.4); short protein forms G3052V.
Identifiers: ClinVar variation 997197 (VCV000997197.2), dbSNP rs769436046, ClinGen allele CA394358730.
Genomic context (GRCh38, chr16:2,102,427, plus strand): 5'-ACAGGGTCACTCACAGGAAACACAAAGCGGACATGGCTTGGGGGCACGAAGAGGCTGGCG[C>A]CGAAGGCGGTGAGGTGGCGGGTGAGGCAGACGGCCTGGCGGGGCGAGGTCTCCTCCAGGG-3'
Protein context (NP_001009944.3, residues 3042-3062): VCLTRHLTAF[Gly3052Val]ASLFVPPSHV

ClinVar aggregate classification (germline): Uncertain significance. Review status: criteria provided, single submitter (1 of 4 stars). 2 submissions from 2 submitters: Uncertain significance (1). 1 of the submissions does not count toward it. Last evaluated 2022-01-20.

Conditions:
Polycystic kidney disease, adult type (PKD1). Also called: POLYCYSTIC KIDNEY DISEASE, ADULT, TYPE I; Polycystic Kidney Disease 1, Autosomal Dominant; Polycystic kidney disease 1; Polycystic kidney disease 1, severe; Polycystic Kidney, Autosomal Dominant; POLYCYSTIC KIDNEY DISEASE 1 WITH OR WITHOUT POLYCYSTIC LIVER DISEASE. Identifiers: MedGen C3149841, MONDO:0008263, OMIM 173900.
Polycystic kidney disease. Also called: Polycystic kidney dysplasia; Kidney, Polycystic. Identifiers: MedGen C0022680, MeSH D007690, MONDO:0020642, HP:0000113.

Submissions (2):

Fulgent Genetics
Classification: Uncertain significance for Polycystic kidney disease, adult type. Last evaluated: 2022-01-20. Review status: criteria provided, single submitter. Criteria: ACMG Guidelines, 2015. Collection method: clinical testing. Allele origin: unknown.

Department of Pathology and Laboratory Medicine, Sinai Health System
Classification: Uncertain significance for Polycystic Kidney disease. Review status: no assertion criteria provided. Collection method: clinical testing. Allele origin: unknown. Affected: yes. Study: The Canadian Open Genetics Repository (COGR). Not counted in ClinVar's aggregate classification.
Comment: The PKD1 p.Gly3052Val variant was not identified in the literature, nor was it identified in dbSNP, the 1000 Genomes Project, the NHLBI Exome Sequencing Project, the Exome Aggregation Consortium, the Genome Aggregation Consortium, GeneInsight COGR, ClinVar, Clinvitae, MutDB, or PKD1-LOVD, or PKD1-LOVD 3.0. The variant was only identified in ADPKD Mutation Database with indeterminate clinical significance. The p.Gly3052 residue is conserved across mammals and other organisms, and computational analyses (PolyPhen-2, SIFT, AlignGVGD, BLOSUM, MutationTaster) suggest that the variant may impact the protein; however, this information is not predictive enough to assume pathogenicity. The variant is located within a function domain, the GPS domain, increasing the likelihood that it could have clinical significance. The variant occurs outside of the splicing consensus sequence and 2 of 5 in silico or computational prediction software programs (SpliceSiteFinder, MaxEntScan, NNSPLICE, GeneSplicer, HumanSpliceFinder) predict a greater than 10% difference in splicing; this is not very predictive of pathogenicity. In summary, based on the above information, the clinical significance of this variant cannot be determined with certainty at this. This variant is classified as a variant of uncertain significance.